The following is an entry in ClinVar:

NM_004415.4(DSP):c.939+195G>A

Gene: DSP (desmoplakin; plus strand). Cytogenetic location: 6p24.3.
Variant type: single nucleotide variant.
Coding change: c.939+195G>A on transcript NM_004415.4 (MANE Select); 195 bases into the intron after coding-DNA position 939, G replaced by A.
Molecular consequence: intron variant.
Genome position (GRCh38, 1-based): chr6:7,565,715, G>A. VCF-style: chr6-7565715-G-A. GRCh37 (hg19) VCF-style: chr6-7565948-G-A.
Other names: c.939+195G>A (NM_001319034.2, NM_001008844.3).
Identifiers: ClinVar variation 672575 (VCV000672575.1), dbSNP rs58671320, ClinGen allele CA133954904.

ClinVar aggregate classification (germline): Benign (1 of 4 stars; one submission).

Allele frequency attached by ClinVar (database versions not stated): gnomAD exomes 0.00560; gnomAD 0.04782 and 0.05165; 1000 Genomes Project 0.05371; TOPMed 0.05421; 1000 Genomes Project 30x 0.05840.
gnomAD v4.1: 10,265 of 664,212 alleles (1.5%); highest among the groups gnomAD compares: African/African-American, 16%; 734 homozygotes.

Submission:

GeneDx
Classification: Benign. Last evaluated: 2018-06-18. Review status: criteria provided, single submitter. Criteria: GeneDx Variant Classification (06012015). Collection method: clinical testing. Allele origin: germline. Affected: yes.
Comment: This variant is considered likely benign or benign based on one or more of the following criteria: it is a conservative change, it occurs at a poorly conserved position in the protein, it is predicted to be benign by multiple in silico algorithms, and/or has population frequency not consistent with disease.